The following is an entry in ClinVar:

NM_003036.4(SKI):c.-3A>C

Gene: SKI (SKI proto-oncogene; plus strand). Cytogenetic location: 1p36.33.
Variant type: single nucleotide variant.
Coding change: c.-3A>C on transcript NM_003036.4 (MANE Select); 3 bases upstream of the start codon, A replaced by C.
Molecular consequence: 5 prime UTR variant.
Genome position (GRCh38, 1-based): chr1:2,228,764, A>C. VCF-style: chr1-2228764-A-C. GRCh37 (hg19) VCF-style: chr1-2160203-A-C.
Identifiers: ClinVar variation 5016809 (VCV005016809.1).

ClinVar aggregate classification (germline): Uncertain significance (1 of 4 stars; one submission).

gnomAD v4.1: 2 of 1,246,512 alleles (0.00016%); highest among the groups gnomAD compares: African/African-American, 0.0016%; no homozygotes.

Submission:

GeneDx
Classification: Uncertain significance. Last evaluated: 2026-03-31. Review status: criteria provided, single submitter. Criteria: GeneDx Variant Classification Process June 2021. Collection method: clinical testing. Allele origin: germline.
Comment: Not observed at significant frequency in large population cohorts (gnomAD); Has not been previously published as pathogenic or benign to our knowledge; Alters the Kozak sequence, which plays a major role in the initiation of translation